The following is an entry in ClinVar:

NM_007144.3(PCGF2):c.735C>G (p.Ser245=)

Genes: CISD3 (CDGSH iron sulfur domain 3; plus strand), PCGF2 (polycomb group ring finger 2; minus strand). Cytogenetic location: 17q12.
Variant type: single nucleotide variant.
Coding change: c.735C>G on transcript NM_007144.3 (MANE Select); coding-DNA position 735, C replaced by G.
Protein change: p.Ser245=; no amino-acid change (serine 245 retained).
Molecular consequence: synonymous variant. On other transcripts: 3 prime UTR variant (1).
Genome position (GRCh38, 1-based): chr17:38,735,523, G>C on the plus strand (C>G on the coding strand, the complement: PCGF2 is on the minus strand). VCF-style: chr17-38735523-G-C. GRCh37 (hg19) VCF-style: chr17-36891776-G-C.
Other names: c.*2068G>C (NM_001136498.2); c.735C>G, p.Ser245= (NM_001369614.1, NM_001369615.1).
Identifiers: ClinVar variation 4873167 (VCV004873167.2).

ClinVar aggregate classification (germline): Likely benign (1 of 4 stars; one submission).

Submission:

CeGaT Center for Human Genetics Tuebingen
Classification: Likely benign. Last evaluated: 2026-04-01. Review status: criteria provided, single submitter. Criteria: CeGaT Center For Human Genetics Tuebingen Variant Classification Criteria Version 2. Collection method: clinical testing. Allele origin: germline. Affected: yes. Observed: 1 variant allele.
Comment: PCGF2: PM2:Supporting, BP4, BP7